The following is an entry in ClinVar:

NC_000008.10:g.(?_37620178)_(37635622_?)del

Gene: PLPBP (pyridoxal phosphate binding protein; plus strand). Cytogenetic location: 8p11.23.
Variant type: Deletion.
Identifiers: ClinVar variation 3245576 (VCV003245576.1).

ClinVar aggregate classification (germline): Pathogenic (1 of 4 stars; one submission).

Submission:

Labcorp Genetics (formerly Invitae), Labcorp
Classification: Pathogenic. Last evaluated: 2023-12-02. Review status: criteria provided, single submitter. Criteria: Invitae Variant Classification Sherloc (09022015). Collection method: clinical testing. Allele origin: unknown.
Comment: A gross deletion of the genomic region encompassing the full coding sequence of the PROSC gene has been identified. Loss-of-function variants in PROSC are known to be pathogenic (PMID: 27912044). The boundaries of this event are unknown as they extend beyond the assayed region for this gene and therefore may encompass additional genes. This variant has not been reported in the literature in individuals affected with PROSC-related conditions. For these reasons, this variant has been classified as Pathogenic.

Literature cited by the submitters: PubMed 27912044.